The following is an entry in ClinVar:

NM_020778.5(ALPK3):c.3531C>T (p.Asp1177=)

Gene: ALPK3 (alpha kinase 3; plus strand). Cytogenetic location: 15q25.3.
Variant type: single nucleotide variant.
Coding change: c.3531C>T on transcript NM_020778.5 (MANE Select); coding-DNA position 3531, C replaced by T.
Protein change: p.Asp1177=; no amino-acid change (aspartic acid 1177 retained).
Molecular consequence: synonymous variant.
Genome position (GRCh38, 1-based): chr15:84,858,269, C>T. VCF-style: chr15-84858269-C-T. GRCh37 (hg19) VCF-style: chr15-85401500-C-T.
Identifiers: ClinVar variation 387497 (VCV000387497.17), dbSNP rs115438635, ClinGen allele CA7709655.

ClinVar aggregate classification (germline): Likely benign. Review status: criteria provided, multiple submitters, no conflicts (2 of 4 stars). 7 submissions from 7 submitters: Likely benign (6). 1 of the submissions does not count toward it. Last evaluated 2026-01-26.

Conditions:
Cardiovascular phenotype. Identifiers: MedGen CN230736.
Cardiomyopathy, familial hypertrophic 27. Identifiers: MedGen C4748014, MONDO:0054838, OMIM 618052.
ALPK3-related disorder. Also called: ALPK3-related condition.

Allele frequency attached by ClinVar (database versions not stated): 1000 Genomes Project 30x 0.00031; 1000 Genomes Project 0.00040; gnomAD 0.00061; ESP Exome Variant Server 0.00062; TOPMed 0.00065.

Submissions (7):

Labcorp Genetics (formerly Invitae), Labcorp
Classification: Likely benign. Last evaluated: 2026-01-26. Review status: criteria provided, single submitter. Criteria: Invitae Variant Classification Sherloc (09022015). Collection method: clinical testing. Allele origin: germline.

Women's Health and Genetics/Laboratory Corporation of America, LabCorp
Classification: Likely benign. Last evaluated: 2024-12-23. Review status: criteria provided, single submitter. Criteria: LabCorp Variant Classification Summary - May 2015. Collection method: clinical testing. Allele origin: germline.

ARUP Laboratories, Molecular Genetics and Genomics, ARUP Laboratories
Classification: Likely benign for Cardiomyopathy, familial hypertrophic 27. Last evaluated: 2024-10-17. Review status: criteria provided, single submitter. Criteria: ARUP Molecular Germline Variant Investigation Process 2024. Collection method: clinical testing. Allele origin: germline.

Blueprint Genetics
Classification: Likely benign. Last evaluated: 2024-09-18. Review status: criteria provided, single submitter. Criteria: ACMG Guidelines, 2015. Collection method: clinical testing. Allele origin: germline.

GeneDx
Classification: Likely benign. Last evaluated: 2021-03-03. Review status: criteria provided, single submitter. Criteria: GeneDx Variant Classification Process June 2021. Collection method: clinical testing. Allele origin: germline. Affected: yes.

Ambry Genetics
Classification: Likely benign for Cardiovascular phenotype. Last evaluated: 2019-01-07. Review status: criteria provided, single submitter. Criteria: Ambry Variant Classification Scheme 2023. Collection method: clinical testing. Allele origin: germline.

PreventionGenetics, part of Exact Sciences
Classification: Likely benign for ALPK3-related condition. Last evaluated: 2020-09-03. Review status: no assertion criteria provided. Collection method: clinical testing. Allele origin: germline. Not counted in ClinVar's aggregate classification.
Comment: This variant is classified as likely benign based on ACMG/AMP sequence variant interpretation guidelines (Richards et al. 2015 PMID: 25741868, with internal and published modifications).